The following is an entry in ClinVar:

ClinVar aggregate classification (germline): Uncertain significance (1 of 4 stars; one submission).

Submission:

GeneDx
Classification: Uncertain significance. Last evaluated: 2019-03-19. Review status: criteria provided, single submitter. Criteria: GeneDx Variant Classification Process June 2021. Collection method: clinical testing. Allele origin: germline. Affected: yes.
Comment: Not observed in large population cohorts (Lek et al., 2016); In silico analysis, which includes splice predictors and evolutionary conservation, supports a deleterious effect; Has not been previously published as pathogenic or benign to our knowledge

NM_005121.3(MED13):c.227G>T (p.Gly76Val)

Gene: MED13 (mediator complex subunit 13; minus strand). Cytogenetic location: 17q23.2.
Variant type: single nucleotide variant.
Coding change: c.227G>T on transcript NM_005121.3 (MANE Select); coding-DNA position 227, G replaced by T.
Protein change: p.Gly76Val; replaces glycine 76 with valine.
Molecular consequence: missense variant.
Genome position (GRCh38, 1-based): chr17:62,063,141, C>A on the plus strand (G>T on the coding strand, the complement: MED13 is on the minus strand). VCF-style: chr17-62063141-C-A. GRCh37 (hg19) VCF-style: chr17-60140502-C-A.
Other names: short protein forms G76V.
Identifiers: ClinVar variation 1308279 (VCV001308279.2), dbSNP rs1298592510, ClinGen allele CA400787371.